The following is an entry in ClinVar:

NM_004320.6(ATP2A1):c.1961C>A (p.Thr654Lys)

Gene: ATP2A1 (ATPase sarcoplasmic/endoplasmic reticulum Ca2+ transporting 1; plus strand). Cytogenetic location: 16p11.2.
Variant type: single nucleotide variant.
Coding change: c.1961C>A on transcript NM_004320.6 (MANE Select); coding-DNA position 1961, C replaced by A.
Protein change: p.Thr654Lys; replaces threonine 654 with lysine.
Molecular consequence: missense variant.
Genome position (GRCh38, 1-based): chr16:28,900,777, C>A. VCF-style: chr16-28900777-C-A. GRCh37 (hg19) VCF-style: chr16-28912098-C-A.
Other names: c.1961C>A (NM_173201.4, NM_004320.4); c.1586C>A, p.Thr529Lys (NM_001286075.2); c.1961C>A, p.Thr654Lys (NM_173201.5); short protein forms T654K, T529K.
Identifiers: ClinVar variation 836273 (VCV000836273.15), dbSNP rs148957878, ClinGen allele CA395411312.

ClinVar aggregate classification (germline): Uncertain significance. Review status: criteria provided, multiple submitters, no conflicts (2 of 4 stars). 5 submissions from 5 submitters: Uncertain significance (5). Last evaluated 2025-08-04.

Conditions:
Brody myopathy. Also called: BRODY DISEASE. Identifiers: Orphanet 53347, MedGen C1832918, MONDO:0010977, OMIM 601003.

gnomAD v4.1: 6 of 1,614,218 alleles (0.00037%); highest among the groups gnomAD compares: Admixed American, 0.0083%; no homozygotes.

Submissions (5):

Revvity Omics, Revvity
Classification: Uncertain significance for Brody myopathy. Last evaluated: 2025-08-04. Review status: criteria provided, single submitter. Criteria: ACMG Guidelines, 2015. Collection method: clinical testing. Allele origin: germline.

GeneDx
Classification: Uncertain significance. Last evaluated: 2023-11-29. Review status: criteria provided, single submitter. Criteria: GeneDx Variant Classification Process June 2021. Collection method: clinical testing. Allele origin: germline. Affected: yes.
Comment: Not observed at significant frequency in large population cohorts (gnomAD); In silico analysis supports that this missense variant has a deleterious effect on protein structure/function; Has not been previously published as pathogenic or benign to our knowledge

Athena Diagnostics
Classification: Uncertain significance. Last evaluated: 2023-08-24. Review status: criteria provided, single submitter. Criteria: Athena Diagnostics Criteria. Collection method: clinical testing. Allele origin: unknown.
Comment: Available data are insufficient to determine the clinical significance of the variant at this time. The frequency of this variant in the general population is uninformative in assessment of its pathogenicity. Computational tools predict that this variant is damaging.

Labcorp Genetics (formerly Invitae), Labcorp
Classification: Uncertain significance for Brody myopathy. Last evaluated: 2023-08-21. Review status: criteria provided, single submitter. Criteria: Invitae Variant Classification Sherloc (09022015). Collection method: clinical testing. Allele origin: germline.
Comment: In summary, the available evidence is currently insufficient to determine the role of this variant in disease. Therefore, it has been classified as a Variant of Uncertain Significance. An algorithm developed to predict the effect of missense changes on protein structure and function (PolyPhen-2) suggests that this variant is likely to be disruptive. ClinVar contains an entry for this variant (Variation ID: 836273). This variant has not been reported in the literature in individuals affected with ATP2A1-related conditions. This variant is present in population databases (no rsID available, gnomAD 0.009%). This sequence change replaces threonine, which is neutral and polar, with lysine, which is basic and polar, at codon 654 of the ATP2A1 protein (p.Thr654Lys).

Illumina Laboratory Services, Illumina
Classification: Uncertain significance for Brody myopathy. Last evaluated: 2018-01-13. Review status: criteria provided, single submitter. Criteria: ICSL Variant Classification Criteria 13 December 2019. Collection method: clinical testing. Allele origin: germline.